The following is an entry in ClinVar:

ClinVar aggregate classification (germline): Uncertain significance. Review status: criteria provided, multiple submitters, no conflicts (2 of 4 stars). 2 submissions from 2 submitters: Uncertain significance (2). Last evaluated 2022-02-18.

Conditions:
Inborn genetic diseases. Identifiers: MedGen C0950123, MeSH D030342.

Allele frequency attached by ClinVar (database versions not stated): TOPMed 0.00002; gnomAD 0.00003; ExAC 0.00012; 1000 Genomes Project 0.00020; 1000 Genomes Project 30x 0.00031.
gnomAD v4.1: 59 of 1,613,978 alleles (0.0037%); highest among the groups gnomAD compares: Middle Eastern, 0.016%; no homozygotes.

Submissions (2):

Labcorp Genetics (formerly Invitae), Labcorp
Classification: Uncertain significance. Last evaluated: 2022-02-18. Review status: criteria provided, single submitter. Criteria: Invitae Variant Classification Sherloc (09022015). Collection method: clinical testing. Allele origin: germline.
Comment: This sequence change replaces arginine, which is basic and polar, with glutamine, which is neutral and polar, at codon 1199 of the CPLANE1 protein (p.Arg1199Gln). This variant is present in population databases (rs569380288, gnomAD 0.009%). This variant has not been reported in the literature in individuals affected with CPLANE1-related conditions. Advanced modeling of protein sequence and biophysical properties (such as structural, functional, and spatial information, amino acid conservation, physicochemical variation, residue mobility, and thermodynamic stability) performed at Invitae indicates that this missense variant is not expected to disrupt CPLANE1 protein function. In summary, the available evidence is currently insufficient to determine the role of this variant in disease. Therefore, it has been classified as a Variant of Uncertain Significance.

Ambry Genetics
Classification: Uncertain significance for Inborn genetic diseases. Last evaluated: 2020-12-29. Review status: criteria provided, single submitter. Criteria: Ambry Variant Classification Scheme 2023. Collection method: clinical testing. Allele origin: germline.
Comment: The c.3596G>A (p.R1199Q) alteration is located in exon 20 (coding exon 19) of the C5orf42 gene. This alteration results from a G to A substitution at nucleotide position 3596, causing the arginine (R) at amino acid position 1199 to be replaced by a glutamine (Q). The p.R1199Q alteration is predicted to be tolerated by in silico analysis. Based on insufficient or conflicting evidence, the clinical significance of this alteration remains unclear.

NM_001384732.1(CPLANE1):c.3596G>A (p.Arg1199Gln)

Gene: CPLANE1 (ciliogenesis and planar polarity effector complex subunit 1; minus strand). Cytogenetic location: 5p13.2.
Variant type: single nucleotide variant.
Coding change: c.3596G>A on transcript NM_001384732.1 (MANE Select); coding-DNA position 3596, G replaced by A.
Protein change: p.Arg1199Gln; replaces arginine 1199 with glutamine.
Molecular consequence: missense variant.
Genome position (GRCh38, 1-based): chr5:37,198,778, C>T on the plus strand (G>A on the coding strand, the complement: CPLANE1 is on the minus strand). VCF-style: chr5-37198778-C-T. GRCh37 (hg19) VCF-style: chr5-37198880-C-T.
Other names: c.3596G>A, p.Arg1199Gln (NM_023073.4); c.3596G>A (NM_023073.3); short protein forms R1199Q.
Identifiers: ClinVar variation 2142632 (VCV002142632.5), dbSNP rs569380288, ClinGen allele CA3238906.